The following is an entry in ClinVar:

NM_001286.5(CLCN6):c.484G>A (p.Val162Ile)

Gene: CLCN6 (chloride voltage-gated channel 6; plus strand). Cytogenetic location: 1p36.22.
Variant type: single nucleotide variant.
Coding change: c.484G>A on transcript NM_001286.5 (MANE Select); coding-DNA position 484, G replaced by A.
Protein change: p.Val162Ile; replaces valine 162 with isoleucine.
Molecular consequence: missense variant. On other transcripts: non-coding transcript variant (1).
Genome position (GRCh38, 1-based): chr1:11,823,737, G>A. VCF-style: chr1-11823737-G-A. GRCh37 (hg19) VCF-style: chr1-11883794-G-A.
Other names: c.484G>A (NM_001286.2); c.418G>A, p.Val140Ile (NM_001256959.2); short protein forms V162I, V140I.
Identifiers: ClinVar variation 1487203 (VCV001487203.7), dbSNP rs759622308, ClinGen allele CA596105.

ClinVar aggregate classification (germline): Conflicting classifications of pathogenicity. Review status: criteria provided, conflicting classifications (1 of 4 stars). 2 submissions from 2 submitters: Uncertain significance (1); Likely benign (1). Last evaluated 2024-09-27.

Allele frequency attached by ClinVar (database versions not stated): ExAC 0.00001; gnomAD 0.00001; gnomAD exomes 0.00002; TOPMed 0.00003.
gnomAD v4.1: 21 of 1,614,156 alleles (0.0013%); highest among the groups gnomAD compares: Middle Eastern, 0.016%; no homozygotes.

Submissions (2):

Labcorp Genetics (formerly Invitae), Labcorp
Classification: Uncertain significance. Last evaluated: 2024-09-27. Review status: criteria provided, single submitter. Criteria: Invitae Variant Classification Sherloc (09022015). Collection method: clinical testing. Allele origin: germline.
Comment: This sequence change replaces valine, which is neutral and non-polar, with isoleucine, which is neutral and non-polar, at codon 162 of the CLCN6 protein (p.Val162Ile). This variant is present in population databases (rs759622308, gnomAD 0.003%). This variant has not been reported in the literature in individuals affected with CLCN6-related conditions. ClinVar contains an entry for this variant (Variation ID: 1487203). An algorithm developed to predict the effect of missense changes on protein structure and function outputs the following: PolyPhen-2: "Benign". The isoleucine amino acid residue is found in multiple mammalian species, which suggests that this missense change does not adversely affect protein function. In summary, the available evidence is currently insufficient to determine the role of this variant in disease. Therefore, it has been classified as a Variant of Uncertain Significance.

Ambry Genetics
Classification: Likely benign. Last evaluated: 2022-06-27. Review status: criteria provided, single submitter. Criteria: Ambry Variant Classification Scheme 2023. Collection method: clinical testing. Allele origin: germline.